The following is an entry in ClinVar:

NM_014915.3(ANKRD26):c.1105A>G (p.Lys369Glu)

Gene: ANKRD26 (ankyrin repeat domain 26; minus strand). Cytogenetic location: 10p12.1.
Variant type: single nucleotide variant.
Coding change: c.1105A>G on transcript NM_014915.3 (MANE Select); coding-DNA position 1105, A replaced by G.
Protein change: p.Lys369Glu; replaces lysine 369 with glutamic acid.
Molecular consequence: missense variant.
Genome position (GRCh38, 1-based): chr10:27,067,259, T>C on the plus strand (A>G on the coding strand, the complement: ANKRD26 is on the minus strand). VCF-style: chr10-27067259-T-C. GRCh37 (hg19) VCF-style: chr10-27356188-T-C.
Other names: c.1105A>G, p.Lys369Glu (NM_001256053.2); short protein forms K369E.
Identifiers: ClinVar variation 2890206 (VCV002890206.4), dbSNP rs2055289403, ClinGen allele CA376360036.

ClinVar aggregate classification (germline): Uncertain significance. Review status: criteria provided, multiple submitters, no conflicts (2 of 4 stars). 2 submissions from 2 submitters: Uncertain significance (2). Last evaluated 2025-06-09.

Conditions:
Inborn genetic diseases. Identifiers: MedGen C0950123, MeSH D030342.

Allele frequency attached by ClinVar (database versions not stated): gnomAD 0.00001; TOPMed 0.00001.
gnomAD v4.1: 1 of 1,613,534 alleles (0.000062%); highest among the groups gnomAD compares: Admixed American, 0.0017%; no homozygotes.

Submissions (2):

Ambry Genetics
Classification: Uncertain significance for Inborn genetic diseases. Last evaluated: 2025-06-09. Review status: criteria provided, single submitter. Criteria: Ambry Variant Classification Scheme 2023. Collection method: clinical testing. Allele origin: germline.
Comment: The p.K369E variant (also known as c.1105A>G), located in coding exon 10 of the ANKRD26 gene, results from an A to G substitution at nucleotide position 1105. The lysine at codon 369 is replaced by glutamic acid, an amino acid with similar properties. This amino acid position is conserved. In addition, this alteration is predicted to be tolerated by in silico analysis. Based on the available evidence, the clinical significance of this variant remains unclear.

Labcorp Genetics (formerly Invitae), Labcorp
Classification: Uncertain significance. Last evaluated: 2023-03-19. Review status: criteria provided, single submitter. Criteria: Invitae Variant Classification Sherloc (09022015). Collection method: clinical testing. Allele origin: germline.
Comment: Algorithms developed to predict the effect of missense changes on protein structure and function output the following: SIFT: "Not Available"; PolyPhen-2: "Benign"; Align-GVGD: "Not Available". The glutamic acid amino acid residue is found in multiple mammalian species, which suggests that this missense change does not adversely affect protein function. In summary, the available evidence is currently insufficient to determine the role of this variant in disease. Therefore, it has been classified as a Variant of Uncertain Significance. This variant has not been reported in the literature in individuals affected with ANKRD26-related conditions. This variant is not present in population databases (gnomAD no frequency). This sequence change replaces lysine, which is basic and polar, with glutamic acid, which is acidic and polar, at codon 369 of the ANKRD26 protein (p.Lys369Glu).